The following is an entry in ClinVar:

ClinVar aggregate classification (germline): Pathogenic (1 of 4 stars; one submission).

Conditions:
Progressive myoclonic epilepsy type 3. Also called: EPILEPSY, PROGRESSIVE MYOCLONIC, 3, WITHOUT INTRACELLULAR INCLUSIONS; KCTD7-Related Progressive Myoclonic Epilepsy; EPILEPSY, PROGRESSIVE MYOCLONIC, 3, WITH OR WITHOUT INTRACELLULAR INCLUSIONS; CEROID LIPOFUSCINOSIS, NEURONAL, 14. Identifiers: Orphanet 263516, MedGen C2673257, MONDO:0012721, OMIM 611726.

Submission:

Labcorp Genetics (formerly Invitae), Labcorp
Classification: Pathogenic for Progressive myoclonic epilepsy type 3. Last evaluated: 2023-04-12. Review status: criteria provided, single submitter. Criteria: Invitae Variant Classification Sherloc (09022015). Collection method: clinical testing. Allele origin: germline.
Comment: For these reasons, this variant has been classified as Pathogenic. This variant has not been reported in the literature in individuals affected with KCTD7-related conditions. A gross deletion of the genomic region encompassing the full coding sequence of the KCTD7 gene has been identified. Loss-of-function variants in KCTD7 are known to be pathogenic (PMID: 22693283). The boundaries of this event are unknown as they extend beyond the assayed region for this gene and therefore may encompass additional genes.

Literature cited by the submitters: PubMed 22693283.

NC_000007.13:g.(?_66094052)_(66104219_?)del

Gene: KCTD7 (potassium channel tetramerization domain containing 7; plus strand). Cytogenetic location: 7q11.21.
Variant type: Deletion.
Identifiers: ClinVar variation 1075621 (VCV001075621.6).